The following is an entry in ClinVar:

NC_000022.11:g.(?_18906375)_(18986158_?)del

Genes: DGCR5 (DiGeorge syndrome critical region gene 5; plus strand), HSERVPRODH (human-specific endogenous retroviral insert PRODH enhancer; plus strand), DGCR6 (DiGeorge syndrome critical region gene 6; plus strand), PRODH (proline dehydrogenase 1; minus strand), LOC122455341 (uncharacterized LOC122455341; plus strand). Cytogenetic location: 22q11.21.
Variant type: Deletion.
Identifiers: ClinVar variation 583475 (VCV000583475.1).

ClinVar aggregate classification (germline): Pathogenic (1 of 4 stars; one submission).

Conditions:
Proline dehydrogenase deficiency (HYRPRO1). Also called: Hyperprolinemia type 1; PROLINE OXIDASE DEFICIENCY. Identifiers: Orphanet 419, MedGen C0268529, MONDO:0009400, OMIM 239500.

Submission:

Labcorp Genetics (formerly Invitae), Labcorp
Classification: Pathogenic for Proline dehydrogenase deficiency. Last evaluated: 2018-05-24. Review status: criteria provided, single submitter. Criteria: Invitae Variant Classification Sherloc (09022015). Collection method: clinical testing. Allele origin: germline.
Comment: A gross deletion of the genomic region encompassing the full coding sequence of the PRODH gene has been identified. The boundaries of this event are unknown as the deletion extends beyond the assayed region for this gene and therefore may encompass additional genes. Whole-gene deletions of PRODH alone have not been reported in the literature. However, deletions of PRODH plus additional genes have been reported as part of 22q11 deletion syndrome (PMID: 19736351, 26978485). Loss-of-function variants in PRODH are known to be pathogenic (PMID: 12525555, 15662599). For these reasons, this variant has been classified as Pathogenic.

Literature cited by the submitters: PubMed 19736351; PubMed 26978485.